The following is an entry in ClinVar:

ClinVar aggregate classification (germline): Uncertain significance. Review status: criteria provided, multiple submitters, no conflicts (2 of 4 stars). 2 submissions from 2 submitters: Uncertain significance (2). Last evaluated 2025-12-11.

Conditions:
Inborn genetic diseases. Identifiers: MedGen C0950123, MeSH D030342.

Allele frequency attached by ClinVar (database versions not stated): gnomAD exomes below 0.00001.
gnomAD v4.1: 2 of 1,037,582 alleles (0.00019%); highest among the groups gnomAD compares: South Asian, 0.0044%; no homozygotes.

Submissions (2):

Ambry Genetics
Classification: Uncertain significance for Inborn genetic diseases. Last evaluated: 2025-12-11. Review status: criteria provided, single submitter. Criteria: Ambry Variant Classification Scheme 2023. Collection method: clinical testing. Allele origin: germline.

Labcorp Genetics (formerly Invitae), Labcorp
Classification: Uncertain significance. Last evaluated: 2025-12-08. Review status: criteria provided, single submitter. Criteria: Invitae Variant Classification Sherloc (09022015). Collection method: clinical testing. Allele origin: germline.
Comment: This sequence change replaces alanine, which is neutral and non-polar, with glycine, which is neutral and non-polar, at codon 37 of the NR2F1 protein (p.Ala37Gly). The frequency data for this variant in the population databases is considered unreliable, as metrics indicate insufficient coverage at this position in the gnomAD database. This variant has not been reported in the literature in individuals affected with NR2F1-related conditions. ClinVar contains an entry for this variant (Variation ID: 2314304). Invitae Evidence Modeling of protein sequence and biophysical properties (such as structural, functional, and spatial information, amino acid conservation, physicochemical variation, residue mobility, and thermodynamic stability) indicates that this missense variant is not expected to disrupt NR2F1 protein function with a negative predictive value of 95%. In summary, the available evidence is currently insufficient to determine the role of this variant in disease. Therefore, it has been classified as a Variant of Uncertain Significance.

NM_005654.6(NR2F1):c.110C>G (p.Ala37Gly)

Genes: NR2F1 (nuclear receptor subfamily 2 group F member 1; plus strand), NR2F1-AS1 (NR2F1 regulatory antisense RNA 1; minus strand). Cytogenetic location: 5q15.
Variant type: single nucleotide variant.
Coding change: c.110C>G on transcript NM_005654.6 (MANE Select); coding-DNA position 110, C replaced by G.
Protein change: p.Ala37Gly; replaces alanine 37 with glycine.
Molecular consequence: missense variant.
Genome position (GRCh38, 1-based): chr5:93,585,133, C>G. VCF-style: chr5-93585133-C-G. GRCh37 (hg19) VCF-style: chr5-92920839-C-G.
Other names: short protein forms A37G.
Identifiers: ClinVar variation 2314304 (VCV002314304.6), dbSNP rs1366108078, ClinGen allele CA360525544.